The following is an entry in ClinVar:

NM_013275.6(ANKRD11):c.6065C>T (p.Pro2022Leu)

Gene: ANKRD11 (ankyrin repeat domain 11; minus strand). Cytogenetic location: 16q24.3.
Variant type: single nucleotide variant.
Coding change: c.6065C>T on transcript NM_013275.6 (MANE Select); coding-DNA position 6065, C replaced by T.
Protein change: p.Pro2022Leu; replaces proline 2022 with leucine.
Molecular consequence: missense variant.
Genome position (GRCh38, 1-based): chr16:89,280,477, G>A on the plus strand (C>T on the coding strand, the complement: ANKRD11 is on the minus strand). VCF-style: chr16-89280477-G-A. GRCh37 (hg19) VCF-style: chr16-89346885-G-A.
Other names: c.6065C>T, p.Pro2022Leu (NM_001256182.2, NM_001256183.2); short protein forms P2022L.
Identifiers: ClinVar variation 589339 (VCV000589339.54), dbSNP rs373218212, ClinGen allele CA8241617.

ClinVar aggregate classification (germline): Benign/Likely benign. Review status: criteria provided, multiple submitters, no conflicts (2 of 4 stars). 12 submissions from 12 submitters: Benign (2); Likely benign (7). 3 of the submissions do not count toward it. Last evaluated 2026-08-01.

Conditions:
ANKRD11-related disorder. Also called: ANKRD11-related condition.
Intellectual disability. Also called: Intellectual functioning disability; intellectual disabilities; Intellectual developmental disorder. Identifiers: MedGen C3714756, MeSH D008607, MONDO:0001071, HP:0001249.
Inborn genetic diseases. Identifiers: MedGen C0950123, MeSH D030342.
KBG syndrome (KBGS). Also called: ANKRD11-Related KBG Syndrome. Identifiers: Orphanet 2332, MedGen C0220687, MONDO:0007846, OMIM 148050.

Allele frequency attached by ClinVar (database versions not stated): gnomAD 0.00051; ESP Exome Variant Server 0.00052; 1000 Genomes Project 0.00060; TOPMed 0.00069; 1000 Genomes Project 30x 0.00078; ExAC 0.00137.
gnomAD v4.1: 1,458 of 1,584,268 alleles (0.092%); highest among the groups gnomAD compares: Middle Eastern, 0.63%; 4 homozygotes.

Submissions (12):

CeGaT Center for Human Genetics Tuebingen
Classification: Likely benign. Last evaluated: 2026-08-01. Review status: criteria provided, single submitter. Criteria: CeGaT Center For Human Genetics Tuebingen Variant Classification Criteria Version 2. Collection method: clinical testing. Allele origin: germline. Affected: yes. Observed: 10 variant alleles.
Comment: ANKRD11: BP4, BS1

Women's Health and Genetics/Laboratory Corporation of America, LabCorp
Classification: Likely benign. Last evaluated: 2026-05-14. Review status: criteria provided, single submitter. Criteria: LabCorp Variant Classification Summary - May 2015. Collection method: clinical testing. Allele origin: germline.

Labcorp Genetics (formerly Invitae), Labcorp
Classification: Likely benign for KBG syndrome. Last evaluated: 2026-01-01. Review status: criteria provided, single submitter. Criteria: Invitae Variant Classification Sherloc (09022015). Collection method: clinical testing. Allele origin: germline.

Ambry Genetics
Classification: Likely benign for Inborn genetic diseases. Last evaluated: 2025-06-05. Review status: criteria provided, single submitter. Criteria: Ambry Variant Classification Scheme 2023. Collection method: clinical testing. Allele origin: germline.

PreventionGenetics, part of Exact Sciences
Classification: Likely benign for ANKRD11-related condition. Last evaluated: 2025-05-08. Review status: criteria provided, single submitter. Criteria: ACMG Guidelines, 2015. Collection method: clinical testing. Allele origin: germline.
Comment: This variant is classified as likely benign based on ACMG/AMP sequence variant interpretation guidelines (Richards et al. 2015 PMID: 25741868, with internal and published modifications).

Blueprint Genetics
Classification: Likely benign. Last evaluated: 2024-11-06. Review status: criteria provided, single submitter. Criteria: ACMG Guidelines, 2015. Collection method: clinical testing. Allele origin: germline.

Genome-Nilou Lab
Classification: Benign for KBG syndrome. Last evaluated: 2021-12-05. Review status: criteria provided, single submitter. Criteria: ACMG Guidelines, 2015. Collection method: clinical testing. Allele origin: germline. Affected: no.

GeneDx
Classification: Benign. Last evaluated: 2019-03-11. Review status: criteria provided, single submitter. Criteria: GeneDx Variant Classification Process June 2021. Collection method: clinical testing. Allele origin: germline. Affected: yes.

Breakthrough Genomics
Classification: Likely benign. Review status: criteria provided, single submitter. Criteria: ACMG Guidelines, 2015. Collection method: not provided. Allele origin: germline. Inheritance: Autosomal dominant inheritance. Affected: yes.

Centre de Biologie Pathologie Génétique, Centre Hospitalier Universitaire de Lille
Classification: Likely benign for Intellectual disability. Last evaluated: 2019-01-01. Review status: no assertion criteria provided. Collection method: clinical testing. Allele origin: inherited. Affected: yes. Not counted in ClinVar's aggregate classification.

Clinical Genetics DNA and cytogenetics Diagnostics Lab, Erasmus MC, Erasmus Medical Center
Classification: Likely benign. Review status: no assertion criteria provided. Collection method: clinical testing. Allele origin: germline. Affected: yes. Study: VKGL Data-share Consensus. Not counted in ClinVar's aggregate classification.

Laboratory of Diagnostic Genome Analysis, Leiden University Medical Center (LUMC)
Classification: Likely benign. Review status: no assertion criteria provided. Collection method: clinical testing. Allele origin: germline. Affected: yes. Study: VKGL Data-share Consensus. Not counted in ClinVar's aggregate classification.